The following is an entry in ClinVar:

NM_007118.4(TRIO):c.8210+5G>T

Genes: TRIO (trio Rho guanine nucleotide exchange factor; plus strand), LOC126807323 (CDK7 strongly-dependent group 2 enhancer GRCh37_chr5:14497716-14498915; plus strand). Cytogenetic location: 5p15.2.
Variant type: single nucleotide variant.
Coding change: c.8210+5G>T on transcript NM_007118.4 (MANE Select); 5 bases into the intron after coding-DNA position 8210, G replaced by T.
Molecular consequence: intron variant.
Genome position (GRCh38, 1-based): chr5:14,498,256, G>T. VCF-style: chr5-14498256-G-T. GRCh37 (hg19) VCF-style: chr5-14498365-G-T.
Identifiers: ClinVar variation 4886740 (VCV004886740.2).

ClinVar aggregate classification (germline): Uncertain significance (1 of 4 stars; one submission).

Submission:

Dasa
Classification: Uncertain significance. Last evaluated: 2025-07-28. Review status: criteria provided, single submitter. Criteria: DASA Assertion Criteria. Collection method: clinical testing. Allele origin: germline.
Comment: NM_007118.4(TRIO):c.8210+5G>T is a splice-region variant predicted to affect normal RNA splicing. This variant is absent from population databases. Computational prediction algorithms are consistent with a deleterious effect. The currently available literature and clinical evidence are not sufficient to establish a definitive association between this variant and the reported condition. Therefore, this variant is classified as a variant of uncertain significance.